The following is an entry in ClinVar:

ClinVar aggregate classification (germline): Uncertain significance (1 of 4 stars; one submission).

Submission:

Labcorp Genetics (formerly Invitae), Labcorp
Classification: Uncertain significance. Last evaluated: 2024-10-11. Review status: criteria provided, single submitter. Criteria: Invitae Variant Classification Sherloc (09022015). Collection method: clinical testing. Allele origin: germline.
Comment: This sequence change replaces methionine, which is neutral and non-polar, with valine, which is neutral and non-polar, at codon 1431 of the SON protein (p.Met1431Val). This variant is present in population databases (rs775549084, gnomAD 0.006%). This variant has not been reported in the literature in individuals affected with SON-related conditions. An algorithm developed to predict the effect of missense changes on protein structure and function outputs the following: PolyPhen-2: "Benign". The valine amino acid residue is found in multiple mammalian species, which suggests that this missense change does not adversely affect protein function. In summary, the available evidence is currently insufficient to determine the role of this variant in disease. Therefore, it has been classified as a Variant of Uncertain Significance.

NM_138927.4(SON):c.4291A>G (p.Met1431Val)

Gene: SON (SON DNA and RNA binding protein; plus strand). Cytogenetic location: 21q22.11.
Variant type: single nucleotide variant.
Coding change: c.4291A>G on transcript NM_138927.4 (MANE Select); coding-DNA position 4291, A replaced by G.
Protein change: p.Met1431Val; replaces methionine 1431 with valine.
Molecular consequence: missense variant. On other transcripts: non-coding transcript variant (1), intron variant (1).
Genome position (GRCh38, 1-based): chr21:33,553,522, A>G. VCF-style: chr21-33553522-A-G. GRCh37 (hg19) VCF-style: chr21-34925828-A-G.
Other names: c.4291A>G, p.Met1431Val (NM_001291411.2, NM_032195.3); c.245-3634A>G (NM_001291412.3); short protein forms M1431V.
Identifiers: ClinVar variation 3625742 (VCV003625742.2).